The following is an entry in ClinVar:

ClinVar aggregate classification (germline): Uncertain significance (1 of 4 stars; one submission).

Conditions:
Emery-Dreifuss muscular dystrophy 4, autosomal dominant (EDMD4). Also called: EMERY-DREIFUSS MUSCULAR DYSTROPHY 4 WITH VARIABLE FEATURES. Identifiers: Orphanet 261, MedGen C2751807, MONDO:0013071, OMIM 612998.
Autosomal recessive ataxia, Beauce type. Also called: SYNE1 Deficiency; Spinocerebellar ataxia, autosomal recessive 8; ATAXIA, RECESSIVE, OF BEAUCE; SYNE1-Related Autosomal Recessive Cerebellar Ataxia. Identifiers: Orphanet 88644, MedGen C1853116, MONDO:0012549, OMIM 610743.

gnomAD v4.1: 1 of 1,614,176 alleles (0.000062%); highest among the groups gnomAD compares: Non-Finnish European, 0.000085%; no homozygotes.

Submission:

Labcorp Genetics (formerly Invitae), Labcorp
Classification: Uncertain significance for Emery-Dreifuss muscular dystrophy 4, autosomal dominant; Autosomal recessive ataxia, Beauce type. Last evaluated: 2022-03-01. Review status: criteria provided, single submitter. Criteria: Invitae Variant Classification Sherloc (09022015). Collection method: clinical testing. Allele origin: germline.
Comment: In summary, the available evidence is currently insufficient to determine the role of this variant in disease. Therefore, it has been classified as a Variant of Uncertain Significance. Algorithms developed to predict the effect of missense changes on protein structure and function are either unavailable or do not agree on the potential impact of this missense change (SIFT: "Deleterious"; PolyPhen-2: "Probably Damaging"; Align-GVGD: "Class C0"). This variant has not been reported in the literature in individuals affected with SYNE1-related conditions. This variant is not present in population databases (gnomAD no frequency). This sequence change replaces isoleucine, which is neutral and non-polar, with threonine, which is neutral and polar, at codon 8336 of the SYNE1 protein (p.Ile8336Thr).

NM_182961.4(SYNE1):c.25151T>C (p.Ile8384Thr)

Gene: SYNE1 (spectrin repeat containing nuclear envelope protein 1; minus strand). Cytogenetic location: 6q25.2.
Variant type: single nucleotide variant.
Coding change: c.25151T>C on transcript NM_182961.4 (MANE Select); coding-DNA position 25151, T replaced by C.
Protein change: p.Ile8384Thr; replaces isoleucine 8384 with threonine.
Molecular consequence: missense variant.
Genome position (GRCh38, 1-based): chr6:152,141,298, A>G on the plus strand (T>C on the coding strand, the complement: SYNE1 is on the minus strand). VCF-style: chr6-152141298-A-G. GRCh37 (hg19) VCF-style: chr6-152462433-A-G.
Other names: c.1757T>C, p.Ile586Thr (NM_001347701.2); c.1685T>C, p.Ile562Thr (NM_001347702.2); c.25007T>C, p.Ile8336Thr (NM_033071.5); short protein forms I8384T, I562T, I586T, I8336T.
Identifiers: ClinVar variation 2101205 (VCV002101205.4), dbSNP rs2549659089, ClinGen allele CA366082284.